The following is an entry in ClinVar:

NM_004211.5(SLC6A5):c.578A>G (p.Asn193Ser)

Gene: SLC6A5 (solute carrier family 6 member 5; plus strand). Cytogenetic location: 11p15.1.
Variant type: single nucleotide variant.
Coding change: c.578A>G on transcript NM_004211.5 (MANE Select); coding-DNA position 578, A replaced by G.
Protein change: p.Asn193Ser; replaces asparagine 193 with serine.
Molecular consequence: missense variant. On other transcripts: intron variant (1).
Genome position (GRCh38, 1-based): chr11:20,604,323, A>G. VCF-style: chr11-20604323-A-G. GRCh37 (hg19) VCF-style: chr11-20625869-A-G.
Other names: c.-24+2658A>G (NM_001318369.2); short protein forms N193S.
Identifiers: ClinVar variation 1357370 (VCV001357370.8), dbSNP rs1012031086, ClinGen allele CA218723340.
Genomic context (GRCh38, chr11:20,604,323, plus strand): 5'-ACAATGTGCTTTTCCGCCCCCAGGAGGACGAGCAAGGGGATGAGAATAAGGCCCGAGGGA[A>G]CTGGTCCAGCAAACTGGACTTCATCCTGTCCATGGTGGGGTACGCAGTGGGGCTGGGCAA-3'
Protein context (NP_004202.4, residues 183-203): EQGDENKARG[Asn193Ser]WSSKLDFILS

ClinVar aggregate classification (germline): Uncertain significance (1 of 4 stars; one submission).

Conditions:
Hyperekplexia 3 (HKPX3). Also called: HYPEREKPLEXIA 3, AUTOSOMAL RECESSIVE; HYPEREKPLEXIA 3, AUTOSOMAL DOMINANT. Identifiers: Orphanet 3197, MedGen C3553288, MONDO:0013827, OMIM 614618.

Allele frequency attached by ClinVar (database versions not stated): gnomAD exomes below 0.00001; gnomAD 0.00001.

Submission:

Labcorp Genetics (formerly Invitae), Labcorp
Classification: Uncertain significance for Hyperekplexia 3. Last evaluated: 2022-07-05. Review status: criteria provided, single submitter. Criteria: Invitae Variant Classification Sherloc (09022015). Collection method: clinical testing. Allele origin: germline.
Comment: In summary, the available evidence is currently insufficient to determine the role of this variant in disease. Therefore, it has been classified as a Variant of Uncertain Significance. Advanced modeling of protein sequence and biophysical properties (such as structural, functional, and spatial information, amino acid conservation, physicochemical variation, residue mobility, and thermodynamic stability) performed at Invitae indicates that this missense variant is not expected to disrupt SLC6A5 protein function. ClinVar contains an entry for this variant (Variation ID: 1357370). This variant has not been reported in the literature in individuals affected with SLC6A5-related conditions. This variant is present in population databases (no rsID available, gnomAD 0.008%). This sequence change replaces asparagine, which is neutral and polar, with serine, which is neutral and polar, at codon 193 of the SLC6A5 protein (p.Asn193Ser).